The following is an entry in ClinVar:

ClinVar aggregate classification (germline): Uncertain significance. Review status: criteria provided, multiple submitters, no conflicts (2 of 4 stars). 2 submissions from 2 submitters: Uncertain significance (2). Last evaluated 2025-09-02.

Conditions:
Autosomal recessive ataxia, Beauce type. Also called: SYNE1-Related Autosomal Recessive Cerebellar Ataxia; Spinocerebellar ataxia, autosomal recessive 8; ATAXIA, RECESSIVE, OF BEAUCE; SYNE1 Deficiency. Identifiers: Orphanet 88644, MedGen C1853116, MONDO:0012549, OMIM 610743.
Emery-Dreifuss muscular dystrophy 4, autosomal dominant (EDMD4). Also called: EMERY-DREIFUSS MUSCULAR DYSTROPHY 4 WITH VARIABLE FEATURES. Identifiers: Orphanet 261, MedGen C2751807, MONDO:0013071, OMIM 612998.

Allele frequency attached by ClinVar (database versions not stated): ExAC 0.00003; gnomAD exomes 0.00004; TOPMed 0.00005.
gnomAD v4.1: 23 of 1,613,950 alleles (0.0014%); highest among the groups gnomAD compares: Admixed American, 0.038%; 1 homozygote.

Submissions (2):

Labcorp Genetics (formerly Invitae), Labcorp
Classification: Uncertain significance for Emery-Dreifuss muscular dystrophy 4, autosomal dominant; Autosomal recessive ataxia, Beauce type. Last evaluated: 2025-09-02. Review status: criteria provided, single submitter. Criteria: Invitae Variant Classification Sherloc (09022015). Collection method: clinical testing. Allele origin: germline.
Comment: This sequence change replaces leucine, which is neutral and non-polar, with serine, which is neutral and polar, at codon 7116 of the SYNE1 protein (p.Leu7116Ser). This variant is present in population databases (rs778441411, gnomAD 0.03%). This variant has not been reported in the literature in individuals affected with SYNE1-related conditions. ClinVar contains an entry for this variant (Variation ID: 538402). An algorithm developed to predict the effect of missense changes on protein structure and function (PolyPhen-2) suggests that this variant is likely to be disruptive. In summary, the available evidence is currently insufficient to determine the role of this variant in disease. Therefore, it has been classified as a Variant of Uncertain Significance.

Athena Diagnostics
Classification: Uncertain significance. Last evaluated: 2025-01-13. Review status: criteria provided, single submitter. Criteria: Athena Diagnostics Criteria. Collection method: clinical testing. Allele origin: unknown.
Comment: Available data are insufficient to determine the clinical significance of the variant at this time. The frequency of this variant in the general population is uninformative in assessment of its pathogenicity. Polyphen and MutationTaster yielded discordant predictions regarding whether this amino acid change is damaging to the protein.

NM_182961.4(SYNE1):c.21560T>C (p.Leu7187Ser)

Genes: SYNE1 (spectrin repeat containing nuclear envelope protein 1; minus strand), LOC126859836 (MED14-independent group 3 enhancer GRCh37_chr6:152542272-152543471; plus strand). Cytogenetic location: 6q25.2.
Variant type: single nucleotide variant.
Coding change: c.21560T>C on transcript NM_182961.4 (MANE Select); coding-DNA position 21560, T replaced by C.
Protein change: p.Leu7187Ser; replaces leucine 7187 with serine.
Molecular consequence: missense variant.
Genome position (GRCh38, 1-based): chr6:152,221,522, A>G on the plus strand (T>C on the coding strand, the complement: SYNE1 is on the minus strand). VCF-style: chr6-152221522-A-G. GRCh37 (hg19) VCF-style: chr6-152542657-A-G.
Other names: c.21347T>C, p.Leu7116Ser (NM_033071.5); c.21560T>C (NM_182961.2); short protein forms L7187S, L7116S.
Identifiers: ClinVar variation 538402 (VCV000538402.9), dbSNP rs778441411, ClinGen allele CA4054111.